The following is an entry in ClinVar:

ClinVar aggregate classification (germline): Benign/Likely benign. Review status: criteria provided, multiple submitters, no conflicts (2 of 4 stars). 4 submissions from 4 submitters: Benign (2); Likely benign (2). Last evaluated 2025-12-17.

Conditions:
Intestinal hypomagnesemia 1. Also called: HYPOMAGNESEMIA, INTESTINAL, WITH SECONDARY HYPOCALCEMIA; HYPOMAGNESEMIC TETANY. Identifiers: Orphanet 30924, MedGen C1865974, MONDO:0011176, OMIM 602014.

Allele frequency attached by ClinVar (database versions not stated): ExAC 0.00086; 1000 Genomes Project 0.00180; 1000 Genomes Project 30x 0.00219; gnomAD 0.00240 and 0.00257; TOPMed 0.00292; ESP Exome Variant Server 0.00346.
gnomAD v4.1: 735 of 1,614,188 alleles (0.046%); highest among the groups gnomAD compares: African/African-American, 0.91%; no homozygotes.

Submissions (4):

Labcorp Genetics (formerly Invitae), Labcorp
Classification: Benign. Last evaluated: 2025-12-17. Review status: criteria provided, single submitter. Criteria: Invitae Variant Classification Sherloc (09022015). Collection method: clinical testing. Allele origin: germline.

Mayo Clinic Laboratories, Mayo Clinic
Classification: Likely benign. Last evaluated: 2025-09-30. Review status: criteria provided, single submitter. Criteria: ACMG Guidelines, 2015. Collection method: clinical testing. Allele origin: germline. Observed: 1 variant allele.
Comment: BS1, BP4, BP7

Fulgent Genetics
Classification: Likely benign for Intestinal hypomagnesemia 1. Last evaluated: 2021-08-12. Review status: criteria provided, single submitter. Criteria: ACMG Guidelines, 2015. Collection method: clinical testing. Allele origin: unknown.

Breakthrough Genomics
Classification: Benign. Review status: criteria provided, single submitter. Criteria: ACMG Guidelines, 2015. Collection method: not provided. Allele origin: germline. Inheritance: Autosomal recessive inheritance. Affected: yes.

NM_017662.5(TRPM6):c.390G>A (p.Glu130=)

Gene: TRPM6 (transient receptor potential cation channel subfamily M member 6; minus strand). Cytogenetic location: 9q21.13.
Variant type: single nucleotide variant.
Coding change: c.390G>A on transcript NM_017662.5 (MANE Select); coding-DNA position 390, G replaced by A.
Protein change: p.Glu130=; no amino-acid change (glutamic acid 130 retained).
Molecular consequence: synonymous variant.
Genome position (GRCh38, 1-based): chr9:74,840,178, C>T on the plus strand (G>A on the coding strand, the complement: TRPM6 is on the minus strand). VCF-style: chr9-74840178-C-T. GRCh37 (hg19) VCF-style: chr9-77455094-C-T.
Other names: p.Glu130=; c.375G>A, p.Glu125= (NM_001177310.2, NM_001177311.2).
Identifiers: ClinVar variation 731612 (VCV000731612.12), dbSNP rs140236011, ClinGen allele CA5085146.